The following is an entry in ClinVar:

ClinVar aggregate classification (germline): Pathogenic. Review status: criteria provided, single submitter (1 of 4 stars). 2 submissions from 2 submitters: Pathogenic (1). 1 of the submissions does not count toward it.

Conditions:
Autosomal recessive nonsyndromic hearing loss 9. Also called: Deafness, autosomal recessive 9; AUDITORY NEUROPATHY, AUTOSOMAL RECESSIVE, 1, TEMPERATURE-SENSITIVE; NEUROSENSORY NONSYNDROMIC RECESSIVE DEAFNESS 9; OTOF-Related Hearing Loss. Identifiers: Orphanet 90636, MedGen C1832828, MONDO:0010986, OMIM 601071.

Submissions (2):

Juno Genomics, Hangzhou Juno Genomics, Inc
Classification: Pathogenic for Autosomal recessive nonsyndromic hearing loss 9. Review status: criteria provided, single submitter. Criteria: ACMG Guidelines, 2015. Collection method: clinical testing. Allele origin: germline.
Comment: Absent from controls (or at extremely low frequency if recessive) in Genome Aggregation Database.;Null variant in a gene where loss of function (LOF) is a known mechanism of disease.;For recessive disorders, detected in trans with a pathogenic variant.

Diagnosis and Treatment Center of Genetic Hearing Loss, Eye & ENT Hospital of Fudan University
Classification: Pathogenic for Autosomal recessive nonsyndromic hearing loss 9. Last evaluated: 2026-02-04. Review status: no assertion criteria provided. Collection method: clinical testing. Allele origin: germline. Inheritance: Autosomal recessive inheritance. Affected: yes. Not counted in ClinVar's aggregate classification.
Comment: The c.4817G>A nonsense variant in OTOF (exon 39) leads to protein truncation and predicted NMD (PVS1). It is absent from population databases (PM2_Supporting). The phenotype is consistent with auditory neuropathy (PP4).

NM_194248.3(OTOF):c.4817G>A (p.Trp1606Ter)

Gene: OTOF (otoferlin; minus strand). Cytogenetic location: 2p23.3.
Variant type: single nucleotide variant.
Coding change: c.4817G>A on transcript NM_194248.3 (MANE Select); coding-DNA position 4817, G replaced by A.
Protein change: p.Trp1606Ter; replaces tryptophan 1606 with a stop codon.
Molecular consequence: nonsense.
Genome position (GRCh38, 1-based): chr2:26,465,012, C>T on the plus strand (G>A on the coding strand, the complement: OTOF is on the minus strand). VCF-style: chr2-26465012-C-T. GRCh37 (hg19) VCF-style: chr2-26687880-C-T.
Other names: c.4817G>A, p.Trp1606Ter (NM_001287489.2); c.2516G>A, p.Trp839Ter (NM_004802.4, NM_194323.3); c.2747G>A, p.Trp916Ter (NM_194322.3); short protein forms W1606*, W839*, W916*.
Identifiers: ClinVar variation 4879950 (VCV004879950.3).